The following is an entry in ClinVar:

ClinVar aggregate classification (germline): Pathogenic (1 of 4 stars; one submission).

Conditions:
Sulfite oxidase deficiency due to molybdenum cofactor deficiency type A. Also called: Molybdenum cofactor deficiency, complementation group A; Molybdenum Cofactor Deficiency A. Identifiers: Orphanet 308386, Orphanet 833, MedGen C1854988, MONDO:0009643, OMIM 252150.

Submission:

Labcorp Genetics (formerly Invitae), Labcorp
Classification: Pathogenic for Sulfite oxidase deficiency due to molybdenum cofactor deficiency type A. Last evaluated: 2024-03-13. Review status: criteria provided, single submitter. Criteria: Invitae Variant Classification Sherloc (09022015). Collection method: clinical testing. Allele origin: germline.
Comment: This sequence change creates a premature translational stop signal (p.Tyr211Leufs*15) in the MOCS1 gene. It is expected to result in an absent or disrupted protein product. Loss-of-function variants in MOCS1 are known to be pathogenic (PMID: 12754701, 16021469). This variant is not present in population databases (gnomAD no frequency). This variant has not been reported in the literature in individuals affected with MOCS1-related conditions. For these reasons, this variant has been classified as Pathogenic.

Literature cited by the submitters: PubMed 12754701; PubMed 16021469.

NM_001358530.2(MOCS1):c.631dup (p.Tyr211fs)

Gene: MOCS1 (molybdenum cofactor synthesis 1; minus strand). Cytogenetic location: 6p21.2.
Variant type: Duplication.
Coding change: c.631dup on transcript NM_001358530.2 (MANE Select); coding-DNA position 631, one base duplicated (T; older notation c.631dupT).
Protein change: p.Tyr211fs; shifts the reading frame from tyrosine 211.
Molecular consequence: frameshift variant. On other transcripts: non-coding transcript variant (1).
Genome position (GRCh38, 1-based): chr6:39,913,788, A duplicated on the plus strand (T on the coding strand, the reverse complement: MOCS1 is on the minus strand). VCF-style (leftmost placement, unchanged base first): chr6-39913787-T-TA. GRCh37 (hg19) VCF-style: chr6-39881531-T-TA.
Other names: c.631dup, p.Tyr211fs (NM_001075098.4, NM_001358529.2, NM_005943.6); c.370dup, p.Tyr124fs (NM_001358531.2, NM_001358533.2, NM_001358534.2); short protein forms Y211fs, Y124fs.
Identifiers: ClinVar variation 3645631 (VCV003645631.2).